The following is an entry in ClinVar:

ClinVar aggregate classification (germline): Pathogenic. Review status: criteria provided, multiple submitters, no conflicts (2 of 4 stars). 5 submissions from 5 submitters: Pathogenic (3). 2 of the submissions do not count toward it. Last evaluated 2026-07-27.

Conditions:
Marfan syndrome (MFS). Also called: MARFAN SYNDROME, TYPE I; Marfan syndrome, classic; FBN1-Related Marfan Syndrome; Marfan syndrome type 1; Marfan's syndrome. Identifiers: Orphanet 284963, Orphanet 558, MedGen C0024796, MONDO:0007947, OMIM 154700.
Stiff skin syndrome (SSKS). Identifiers: Orphanet 2833, MedGen C1861456, MONDO:0008492, OMIM 184900.
MASS syndrome (OCTD). Also called: MASS PHENOTYPE; OVERLAP CONNECTIVE TISSUE DISEASE. Identifiers: MedGen C1858556, MONDO:0011431, OMIM 604308.
Progeroid and marfanoid aspect-lipodystrophy syndrome. Also called: MARFANOID-PROGEROID-LIPODYSTROPHY SYNDROME; MARFANOID-PROGEROID SYNDROME; MARFAN-PROGEROID-LIPODYSTROPHY SYNDROME; Marfan lipodystrophy syndrome. Identifiers: Orphanet 300382, MedGen C4310796, MONDO:0014831, OMIM 616914.
Weill-Marchesani syndrome 2, dominant. Also called: Weill-Marchesani Syndrome, Autosomal Dominant; FBN1-Related Weill-Marchesani Syndrome. Identifiers: Orphanet 2084, MedGen C1869115, MONDO:0012013, OMIM 608328.
Acromicric dysplasia (ACMICD). Also called: Acromicric skeletal dysplasia. Identifiers: Orphanet 969, MedGen C0265287, MONDO:0007055, OMIM 102370.
Ectopia lentis 1, isolated, autosomal dominant (ECTOL1). Identifiers: Orphanet 1885, MedGen C3541518, MONDO:0007514, OMIM 129600.
Geleophysic dysplasia 2 (GPHYSD2). Identifiers: Orphanet 2623, MedGen C3280054, MONDO:0013612, OMIM 614185.
Familial thoracic aortic aneurysm and aortic dissection (TAAD). Also called: Thoracic aortic aneurysms and dissections. Identifiers: Orphanet 91387, MedGen C4707243, MONDO:0019625.

Submissions (5):

GeneDx
Classification: Pathogenic. Last evaluated: 2026-07-27. Review status: criteria provided, single submitter. Criteria: GeneDx Variant Classification Process June 2021. Collection method: clinical testing. Allele origin: germline.
Comment: Nonsense variant predicted to result in protein truncation or nonsense mediated decay in a gene for which loss of function is a known mechanism of disease; Not observed at significant frequency in large population cohorts (gnomAD); This variant is associated with the following publications: (PMID: 25525159, 30773290, 19293843)

Labcorp Genetics (formerly Invitae), Labcorp
Classification: Pathogenic for Marfan syndrome; Familial thoracic aortic aneurysm and aortic dissection. Last evaluated: 2024-10-15. Review status: criteria provided, single submitter. Criteria: Invitae Variant Classification Sherloc (09022015). Collection method: clinical testing. Allele origin: germline.
Comment: This sequence change creates a premature translational stop signal (p.Gln1630*) in the FBN1 gene. It is expected to result in an absent or disrupted protein product. Loss-of-function variants in FBN1 are known to be pathogenic (PMID: 17657824, 19293843). This variant is not present in population databases (gnomAD no frequency). This premature translational stop signal has been observed in individual(s) with Marfan syndrome (PMID: 30773290). ClinVar contains an entry for this variant (Variation ID: 200056). For these reasons, this variant has been classified as Pathogenic.

Juno Genomics, Hangzhou Juno Genomics, Inc
Classification: Pathogenic for Stiff skin syndrome; Weill-Marchesani syndrome 2, dominant; Acromicric dysplasia; Ectopia lentis 1, isolated, autosomal dominant; Geleophysic dysplasia 2; Progeroid and marfanoid aspect-lipodystrophy syndrome; Marfan syndrome; MASS syndrome. Review status: criteria provided, single submitter. Criteria: ACMG Guidelines, 2015. Collection method: clinical testing. Allele origin: germline. Affected: yes.
Comment: Absent from controls (or at extremely low frequency if recessive) in Genome Aggregation Database.;Null variant in a gene where loss of function (LOF) is a known mechanism of disease.;The prevalence of the variant in affected individuals is significantly increased compared to the prevalence in controls.;Patient's phenotype or family history is highly specific for a disease with a single genetic etiology.

Yale Center for Mendelian Genomics, Yale University
Classification: Pathogenic for Marfan syndrome. Last evaluated: 2019-02-14. Review status: no assertion criteria provided. Collection method: literature only. Allele origin: germline. Affected: yes. Observed: 1 compound heterozygote. Study: Yale Center for Mendelian Genomics. Not counted in ClinVar's aggregate classification.

Center for Medical Genetics Ghent, University of Ghent
Classification: Pathogenic for Marfan syndrome. Last evaluated: 2017-11-07. Review status: no assertion criteria provided. Collection method: clinical testing. Allele origin: germline. Affected: yes. Not counted in ClinVar's aggregate classification.

Literature cited by the submitters: PubMed 17657824 (cited by Labcorp Genetics (formerly Invitae), Labcorp); PubMed 19293843 (cited by Labcorp Genetics (formerly Invitae), Labcorp); PubMed 30773290 (cited by Labcorp Genetics (formerly Invitae), Labcorp and Yale Center for Mendelian Genomics, Yale University).

NM_000138.5(FBN1):c.4888C>T (p.Gln1630Ter)

Gene: FBN1 (fibrillin 1; minus strand). Cytogenetic location: 15q21.1.
Variant type: single nucleotide variant.
Coding change: c.4888C>T on transcript NM_000138.5 (MANE Select); coding-DNA position 4888, C replaced by T.
Protein change: p.Gln1630Ter; replaces glutamine 1630 with a stop codon.
Molecular consequence: nonsense.
Genome position (GRCh38, 1-based): chr15:48,465,622, G>A on the plus strand (C>T on the coding strand, the complement: FBN1 is on the minus strand). VCF-style: chr15-48465622-G-A. GRCh37 (hg19) VCF-style: chr15-48757819-G-A.
Other names: p.Q1630X:CAG>TAG; short protein forms Q1630*.
Identifiers: ClinVar variation 200056 (VCV000200056.8), dbSNP rs794728231, ClinGen allele CA015448.
Genomic context (GRCh38, chr15:48,465,622, plus strand): 5'-ATTTACCATCACACACTCGTGTATCTTCATTCAGGTAGTAGCCGGTTGGACAGCGGCACT[G>A]GAAACTCCCAAAGGTGTTGATACATTTTCCTCCTTGGCACAGCCCTGGTAGCTCCTGGCA-3'